The following is an entry in ClinVar:

ClinVar aggregate classification (germline): Uncertain significance. Review status: criteria provided, single submitter (1 of 4 stars). 2 submissions from 2 submitters: Uncertain significance (1). 1 of the submissions does not count toward it. Last evaluated 2025-03-05.

Conditions:
ADAMTS13-related disorder. Also called: ADAMTS13-related condition.

Allele frequency attached by ClinVar (database versions not stated): gnomAD exomes 0.00001; ExAC 0.00003; gnomAD 0.00004; TOPMed 0.00007; ESP Exome Variant Server 0.00015.

Submissions (2):

Women's Health and Genetics/Laboratory Corporation of America, LabCorp
Classification: Uncertain significance. Last evaluated: 2025-03-05. Review status: criteria provided, single submitter. Criteria: LabCorp Variant Classification Summary - May 2015. Collection method: clinical testing. Allele origin: germline.
Comment: Variant summary: ADAMTS13 c.330+8C>T alters a non-conserved nucleotide located close to a canonical splice site and therefore could affect mRNA splicing, leading to a significantly altered protein sequence. Consensus agreement among computation tools predict no significant impact on normal splicing. However, these predictions have yet to be confirmed by functional studies. The variant allele was found at a frequency of 1.2e-05 in 1610726 control chromosomes. This frequency is not significantly higher than estimated for a pathogenic variant in ADAMTS13 causing Thrombotic Thrombocytopenic Purpura, allowing no conclusion about variant significance. To our knowledge, no occurrence of c.330+8C>T in individuals affected with Thrombotic Thrombocytopenic Purpura and no experimental evidence demonstrating its impact on protein function have been reported. ClinVar contains an entry for this variant (Variation ID: 3030855). Based on the evidence outlined above, the variant was classified as uncertain significance.

PreventionGenetics, part of Exact Sciences
Classification: Likely benign for ADAMTS13-related condition. Last evaluated: 2021-09-14. Review status: no assertion criteria provided. Collection method: clinical testing. Allele origin: germline. Not counted in ClinVar's aggregate classification.
Comment: This variant is classified as likely benign based on ACMG/AMP sequence variant interpretation guidelines (Richards et al. 2015 PMID: 25741868, with internal and published modifications).

NM_139027.6(ADAMTS13):c.330+8C>T

Gene: ADAMTS13 (ADAM metallopeptidase with thrombospondin type 1 motif 13; plus strand). Cytogenetic location: 9q34.2.
Variant type: single nucleotide variant.
Coding change: c.330+8C>T on transcript NM_139027.6 (MANE Select); 8 bases into the intron after coding-DNA position 330, C replaced by T.
Molecular consequence: intron variant.
Genome position (GRCh38, 1-based): chr9:133,424,486, C>T. VCF-style: chr9-133424486-C-T. GRCh37 (hg19) VCF-style: chr9-136289606-C-T.
Other names: c.330+8C>T (NM_139025.5, NM_139026.6).
Identifiers: ClinVar variation 3030855 (VCV003030855.3), dbSNP rs368684532, ClinGen allele CA200880325.
Genomic context (GRCh38, chr9:133,424,486, plus strand): 5'-TCCAGGCTCACCAGGAGGACACAGAGCGCTATGTGCTCACCAACCTCAACATCGTGAGTG[C>T]CCCACGCTGGACTGTGCAGGTCCCCACGGCCAGGGCTGGTGACCAATGTCTGTGGGCTGG-3'